The following is an entry in ClinVar:

NM_145259.3(ACVR1C):c.21A>G (p.Ser7=)

Genes: ACVR1C (activin A receptor type 1C; minus strand), LOC129934971 (ATAC-STARR-seq lymphoblastoid silent region 12029; plus strand). Cytogenetic location: 2q24.1.
Variant type: single nucleotide variant.
Coding change: c.21A>G on transcript NM_145259.3 (MANE Select); coding-DNA position 21, A replaced by G.
Protein change: p.Ser7=; no amino-acid change (serine 7 retained).
Molecular consequence: synonymous variant.
Genome position (GRCh38, 1-based): chr2:157,628,624, T>C on the plus strand (A>G on the coding strand, the complement: ACVR1C is on the minus strand). VCF-style: chr2-157628624-T-C. GRCh37 (hg19) VCF-style: chr2-158485136-T-C.
Other names: c.21A>G, p.Ser7= (NM_001111032.2, NM_001111033.2).
Identifiers: ClinVar variation 3037015 (VCV003037015.2), dbSNP rs777827727, ClinGen allele CA1918904.

ClinVar aggregate classification (germline): Likely benign (0 of 4 stars; one submission).

Conditions:
ACVR1C-related disorder. Also called: ACVR1C-related condition.

Allele frequency attached by ClinVar (database versions not stated): gnomAD 0.00001; ExAC 0.00002; TOPMed 0.00003.
gnomAD v4.1: 57 of 1,594,872 alleles (0.0036%); highest among the groups gnomAD compares: Non-Finnish European, 0.0048%; no homozygotes.

Submission:

PreventionGenetics, part of Exact Sciences
Classification: Likely benign for ACVR1C-related condition. Last evaluated: 2020-11-06. Review status: no assertion criteria provided. Collection method: clinical testing. Allele origin: germline.
Comment: This variant is classified as likely benign based on ACMG/AMP sequence variant interpretation guidelines (Richards et al. 2015 PMID: 25741868, with internal and published modifications).